The following is an entry in ClinVar:

ClinVar aggregate classification (germline): Benign/Likely benign. Review status: criteria provided, multiple submitters, no conflicts (2 of 4 stars). 5 submissions from 5 submitters: Benign (4); Likely benign (1). Last evaluated 2026-09-01.

Conditions:
Autosomal recessive early-onset Parkinson disease 23. Identifiers: Orphanet 2828, MedGen C4225186, MONDO:0014796, OMIM 616840.

Allele frequency attached by ClinVar (database versions not stated): 1000 Genomes Project 0.00240; 1000 Genomes Project 30x 0.00265; TOPMed 0.00614; ESP Exome Variant Server 0.00638; gnomAD 0.00757 and 0.00801; gnomAD exomes 0.00846; ExAC 0.00859.
gnomAD v4.1: 15,047 of 1,605,036 alleles (0.94%); highest among the groups gnomAD compares: Non-Finnish European, 1.1%; 85 homozygotes.

Submissions (5):

CeGaT Center for Human Genetics Tuebingen
Classification: Benign. Last evaluated: 2026-09-01. Review status: criteria provided, single submitter. Criteria: CeGaT Center For Human Genetics Tuebingen Variant Classification Criteria Version 2. Collection method: clinical testing. Allele origin: germline. Affected: yes. Observed: 31 variant alleles.
Comment: VPS13C: BP4, BP7, BS1, BS2

Labcorp Genetics (formerly Invitae), Labcorp
Classification: Benign. Last evaluated: 2026-01-25. Review status: criteria provided, single submitter. Criteria: Invitae Variant Classification Sherloc (09022015). Collection method: clinical testing. Allele origin: germline.

Mayo Clinic Laboratories, Mayo Clinic
Classification: Benign. Last evaluated: 2023-03-16. Review status: criteria provided, single submitter. Criteria: ACMG Guidelines, 2015. Collection method: clinical testing. Allele origin: germline. Observed: 15 variant alleles.
Comment: BS1, BS2, BP4, BP7

Fulgent Genetics
Classification: Likely benign for Autosomal recessive early-onset Parkinson disease 23. Last evaluated: 2022-05-20. Review status: criteria provided, single submitter. Criteria: ACMG Guidelines, 2015. Collection method: clinical testing. Allele origin: unknown.

Breakthrough Genomics
Classification: Benign. Review status: criteria provided, single submitter. Criteria: ACMG Guidelines, 2015. Collection method: not provided. Allele origin: germline. Inheritance: Autosomal recessive inheritance. Affected: yes.

NM_020821.3(VPS13C):c.1929A>C (p.Ala643=)

Gene: VPS13C (vacuolar protein sorting 13 homolog C; minus strand). Cytogenetic location: 15q22.2.
Variant type: single nucleotide variant.
Coding change: c.1929A>C on transcript NM_020821.3 (MANE Select); coding-DNA position 1929, A replaced by C.
Protein change: p.Ala643=; no amino-acid change (alanine 643 retained).
Molecular consequence: synonymous variant.
Genome position (GRCh38, 1-based): chr15:61,982,559, T>G on the plus strand (A>C on the coding strand, the complement: VPS13C is on the minus strand). VCF-style: chr15-61982559-T-G. GRCh37 (hg19) VCF-style: chr15-62274758-T-G.
Other names: p.Ala643=; c.1929A>C, p.Ala643= (NM_001018088.3); c.1800A>C, p.Ala600= (NM_017684.5, NM_018080.4).
Identifiers: ClinVar variation 781720 (VCV000781720.38), dbSNP rs115871350, ClinGen allele CA7596871.
Genomic context (GRCh38, chr15:61,982,559, plus strand): 5'-TGTTGCTGATGTTATTTGCTCAAGATCCAATCCCTTATTTGATTGAAAGAATTCAACCAC[T>G]GCATTGACAGTTTTCTATAAGAAAATTTTTTTAACATAACCAAGTTACACATGGTTCTTT-3'
Protein context (NP_065872.1, residues 633-653): EVIYDAKTVN[Ala643=]VVEFFQSNKG